The following is an entry in ClinVar:

NM_001111125.3(IQSEC2):c.2323C>G (p.Leu775Val)

Gene: IQSEC2 (IQ motif and Sec7 domain ArfGEF 2; minus strand). Cytogenetic location: Xp11.22.
Variant type: single nucleotide variant.
Coding change: c.2323C>G on transcript NM_001111125.3 (MANE Select); coding-DNA position 2323, C replaced by G.
Protein change: p.Leu775Val; replaces leucine 775 with valine.
Molecular consequence: missense variant.
Genome position (GRCh38, 1-based): chrX:53,248,857, G>C on the plus strand (C>G on the coding strand, the complement: IQSEC2 is on the minus strand). VCF-style: chrX-53248857-G-C. GRCh37 (hg19) VCF-style: chrX-53278039-G-C.
Other names: c.2323C>G, p.Leu775Val (NM_001410736.1); c.1708C>G, p.Leu570Val (NM_015075.2); short protein forms L775V, L570V.
Identifiers: ClinVar variation 2055807 (VCV002055807.4), dbSNP rs1569300762, ClinGen allele CA413158751.

ClinVar aggregate classification (germline): Uncertain significance (1 of 4 stars; one submission).

Conditions:
Intellectual developmental disorder, X-linked 1. Also called: Atkin Flaitz Patil Smith syndrome; Intellectual disability, X-linked 1; MENTAL RETARDATION, X-LINKED 18; MENTAL RETARDATION, X-LINKED 78. Identifiers: Orphanet 777, MedGen C2931498, MONDO:0010656, OMIM 309530.

Submission:

Labcorp Genetics (formerly Invitae), Labcorp
Classification: Uncertain significance for Intellectual developmental disorder, X-linked 1. Last evaluated: 2022-07-06. Review status: criteria provided, single submitter. Criteria: Invitae Variant Classification Sherloc (09022015). Collection method: clinical testing. Allele origin: germline.
Comment: In summary, the available evidence is currently insufficient to determine the role of this variant in disease. Therefore, it has been classified as a Variant of Uncertain Significance. Advanced modeling of protein sequence and biophysical properties (such as structural, functional, and spatial information, amino acid conservation, physicochemical variation, residue mobility, and thermodynamic stability) performed at Invitae indicates that this missense variant is expected to disrupt IQSEC2 protein function. This variant has not been reported in the literature in individuals affected with IQSEC2-related conditions. This variant is not present in population databases (gnomAD no frequency). This sequence change replaces leucine, which is neutral and non-polar, with valine, which is neutral and non-polar, at codon 775 of the IQSEC2 protein (p.Leu775Val).